The following is an entry in ClinVar:

NM_007286.6(SYNPO):c.1801A>C (p.Asn601His)

Gene: SYNPO (synaptopodin; plus strand). Cytogenetic location: 5q33.1.
Variant type: single nucleotide variant.
Coding change: c.1801A>C on transcript NM_007286.6 (MANE Select); coding-DNA position 1801, A replaced by C.
Protein change: p.Asn601His; replaces asparagine 601 with histidine.
Molecular consequence: missense variant.
Genome position (GRCh38, 1-based): chr5:150,650,076, A>C. VCF-style: chr5-150650076-A-C. GRCh37 (hg19) VCF-style: chr5-150029638-A-C.
Other names: c.1801A>C, p.Asn601His (NM_001109974.3); c.2533A>C, p.Asn845His (NM_001166208.2, NM_001166209.2); short protein forms N601H, N845H.
Identifiers: ClinVar variation 1977526 (VCV001977526.5), dbSNP rs1429864228, ClinGen allele CA361783756.

ClinVar aggregate classification (germline): Uncertain significance (1 of 4 stars; one submission).

Allele frequency attached by ClinVar (database versions not stated): gnomAD exomes below 0.00001; TOPMed below 0.00001; gnomAD 0.00001.
gnomAD v4.1: 2 of 1,613,322 alleles (0.00012%); highest among the groups gnomAD compares: East Asian, 0.0022%; no homozygotes.

Submission:

Labcorp Genetics (formerly Invitae), Labcorp
Classification: Uncertain significance. Last evaluated: 2025-04-14. Review status: criteria provided, single submitter. Criteria: Invitae Variant Classification Sherloc (09022015). Collection method: clinical testing. Allele origin: germline.
Comment: This sequence change replaces asparagine, which is neutral and polar, with histidine, which is basic and polar, at codon 601 of the SYNPO protein (p.Asn601His). This variant is not present in population databases (gnomAD no frequency). This variant has not been reported in the literature in individuals affected with SYNPO-related conditions. ClinVar contains an entry for this variant (Variation ID: 1977526). An algorithm developed to predict the effect of missense changes on protein structure and function (PolyPhen-2) suggests that this variant is likely to be disruptive. In summary, the available evidence is currently insufficient to determine the role of this variant in disease. Therefore, it has been classified as a Variant of Uncertain Significance.